The following is an entry in ClinVar:

ClinVar aggregate classification (germline): Likely benign (1 of 4 stars; one submission).

Allele frequency attached by ClinVar (database versions not stated): ExAC 0.00001.
gnomAD v4.1: 11 of 1,614,230 alleles (0.00068%); highest among the groups gnomAD compares: Non-Finnish European, 0.00093%; no homozygotes.

Submission:

CeGaT Center for Human Genetics Tuebingen
Classification: Likely benign. Last evaluated: 2022-10-01. Review status: criteria provided, single submitter. Criteria: CeGaT Center For Human Genetics Tuebingen Variant Classification Criteria Version 2. Collection method: clinical testing. Allele origin: germline. Affected: yes. Observed: 1 variant allele.
Comment: HSPG2: BP4

NM_005529.7(HSPG2):c.9551T>A (p.Val3184Glu)

Gene: HSPG2 (heparan sulfate proteoglycan 2; minus strand). Cytogenetic location: 1p36.12.
Variant type: single nucleotide variant.
Coding change: c.9551T>A on transcript NM_005529.7 (MANE Select); coding-DNA position 9551, T replaced by A.
Protein change: p.Val3184Glu; replaces valine 3184 with glutamic acid.
Molecular consequence: missense variant.
Genome position (GRCh38, 1-based): chr1:21,839,980, A>T on the plus strand (T>A on the coding strand, the complement: HSPG2 is on the minus strand). VCF-style: chr1-21839980-A-T. GRCh37 (hg19) VCF-style: chr1-22166473-A-T.
Other names: c.9554T>A, p.Val3185Glu (NM_001291860.2); short protein forms V3184E, V3185E.
Identifiers: ClinVar variation 2638453 (VCV002638453.24), dbSNP rs780158139, ClinGen allele CA670401.
Genomic context (GRCh38, chr1:21,839,980, plus strand): 5'-GTGTCCACGATCACCTCCACCTGCTTCTGTGCTGTGCCTAGTGCATTCTGAGCAAGGCAC[A>T]CATAAGTGCCCGCATCTGATGGTTTAGCTGATGAAATCTGGGAGAAAGCAAGGAGGCTGG-3'
Protein context (NP_005520.4, residues 3174-3194): SAKPSDAGTY[Val3184Glu]CLAQNALGTA